The following is an entry in ClinVar:

NM_014049.5(ACAD9):c.509C>T (p.Ala170Val)

Gene: ACAD9 (acyl-CoA dehydrogenase family member 9; plus strand). Cytogenetic location: 3q21.3.
Variant type: single nucleotide variant.
Coding change: c.509C>T on transcript NM_014049.5 (MANE Select); coding-DNA position 509, C replaced by T.
Protein change: p.Ala170Val; replaces alanine 170 with valine.
Molecular consequence: missense variant. On other transcripts: non-coding transcript variant (1).
Genome position (GRCh38, 1-based): chr3:128,896,491, C>T. VCF-style: chr3-128896491-C-T. GRCh37 (hg19) VCF-style: chr3-128615334-C-T.
Other names: ACAD9, ALA170VAL (rs762521317); short protein forms A170V.
Identifiers: ClinVar variation 372249 (VCV000372249.20), dbSNP rs762521317, ClinGen allele CA2601173.
Genomic context (GRCh38, chr3:128,896,491, plus strand): 5'-TTTAGGGGATCATCTTGGCTGGCACTGAGGAGCAGAAAGCCAAATACTTGCCTAAACTGG[C>T]GTCCGGGGAGCACATTGCAGCCTTCTGCCTCACGGAGCCAGCCAGGTCTGTCTCTGCACA-3'
Protein context (NP_054768.2, residues 160-180): EQKAKYLPKL[Ala170Val]SGEHIAAFCL

ClinVar aggregate classification (germline): Conflicting classifications of pathogenicity. Review status: criteria provided, conflicting classifications (1 of 4 stars). 6 submissions from 6 submitters: Likely pathogenic (1); Uncertain significance (3). 2 of the submissions do not count toward it. Last evaluated 2024-04-29.

Conditions:
Acyl-CoA dehydrogenase 9 deficiency. Also called: Acyl-CoA dehydrogenase family, member 9, deficiency of; MITOCHONDRIAL COMPLEX I DEFICIENCY, NUCLEAR TYPE 20. Identifiers: Orphanet 99901, MedGen C4747517, MONDO:0012624, OMIM 611126.

Allele frequency attached by ClinVar (database versions not stated): TOPMed 0.00002; gnomAD exomes below 0.00001; ExAC 0.00001; gnomAD 0.00001.

Submissions (6):

GeneDx
Classification: Uncertain significance. Last evaluated: 2024-04-29. Review status: criteria provided, single submitter. Criteria: GeneDx Variant Classification Process June 2021. Collection method: clinical testing. Allele origin: germline. Affected: yes.
Comment: Not observed at significant frequency in large population cohorts (gnomAD); In silico analysis supports that this missense variant has a deleterious effect on protein structure/function; This variant is associated with the following publications: (PMID: 28070495, 30025539, 27233227)

Labcorp Genetics (formerly Invitae), Labcorp
Classification: Likely pathogenic. Last evaluated: 2023-10-17. Review status: criteria provided, single submitter. Criteria: Invitae Variant Classification Sherloc (09022015). Collection method: clinical testing. Allele origin: germline.
Comment: This sequence change replaces alanine, which is neutral and non-polar, with valine, which is neutral and non-polar, at codon 170 of the ACAD9 protein (p.Ala170Val). This variant is present in population databases (rs762521317, gnomAD 0.003%). This missense change has been observed in individual(s) with ACAD9-related conditions (PMID: 27233227). It has also been observed to segregate with disease in related individuals. ClinVar contains an entry for this variant (Variation ID: 372249). Advanced modeling of protein sequence and biophysical properties (such as structural, functional, and spatial information, amino acid conservation, physicochemical variation, residue mobility, and thermodynamic stability) performed at Invitae indicates that this missense variant is not expected to disrupt ACAD9 protein function. In summary, the currently available evidence indicates that the variant is pathogenic, but additional data are needed to prove that conclusively. Therefore, this variant has been classified as Likely Pathogenic.

Women's Health and Genetics/Laboratory Corporation of America, LabCorp
Classification: Uncertain significance. Last evaluated: 2023-06-29. Review status: criteria provided, single submitter. Criteria: LabCorp Variant Classification Summary - May 2015. Collection method: clinical testing. Allele origin: germline.
Comment: Variant summary: ACAD9 c.509C>T (p.Ala170Val) results in a non-conservative amino acid change located in the Acyl-CoA dehydrogenase/oxidase, N-terminal domain (IPR013786) of the encoded protein sequence. Four of five in-silico tools predict a damaging effect of the variant on protein function. The variant allele was found at a frequency of 4e-06 in 251434 control chromosomes (gnomAD). c.509C>T has been reported in the literature as a compound heterozygous genotype in two siblings affected with left ventricular hypertropy (Dewulf_2016), a presentation of Mitochondrial Complex I Deficiency, Nuclear Type 20. These data indicate that the variant may be associated with disease. To our knowledge, no experimental evidence demonstrating an impact on protein function has been reported. The following publication have been ascertained in the context of this evaluation (PMID: 27233227). Five ClinVar submitters have assessed the variant since 2014: three classified the variant as uncertain significance, one as likely pathogenic, and one as pathogenic. Based on the evidence outlined above, the variant was classified as VUS-possibly pathogenic.

MGZ Medical Genetics Center
Classification: Uncertain significance for Acyl-CoA dehydrogenase 9 deficiency. Last evaluated: 2022-03-10. Review status: criteria provided, single submitter. Criteria: ACMG Guidelines, 2015. Collection method: clinical testing. Allele origin: germline. Affected: yes. Observed: 1 variant allele.
Comment: ACMG criteria applied: PM2_SUP, PP3

OMIM
Classification: Pathogenic for MITOCHONDRIAL COMPLEX I DEFICIENCY, NUCLEAR TYPE 20. Last evaluated: 2025-01-10. Review status: no assertion criteria provided. Collection method: literature only. Allele origin: germline. Not counted in ClinVar's aggregate classification.

Natera, Inc.
Classification: Uncertain significance for ACAD9 deficiency. Last evaluated: 2020-08-31. Review status: no assertion criteria provided. Collection method: clinical testing. Allele origin: germline. Not counted in ClinVar's aggregate classification.

Literature cited by the submitters: PubMed 27233227 (cited by 3 submitters).